The following is an entry in ClinVar:

ClinVar aggregate classification (germline): Uncertain significance (1 of 4 stars; one submission).

Submission:

Labcorp Genetics (formerly Invitae), Labcorp
Classification: Uncertain significance. Last evaluated: 2025-11-23. Review status: criteria provided, single submitter. Criteria: Invitae Variant Classification Sherloc (09022015). Collection method: clinical testing. Allele origin: germline.
Comment: This sequence change replaces lysine, which is basic and polar, with isoleucine, which is neutral and non-polar, at codon 426 of the LZTR1 protein (p.Lys426Ile). This variant is not present in population databases (gnomAD no frequency). This variant has not been reported in the literature in individuals affected with LZTR1-related conditions. Invitae Evidence Modeling of protein sequence and biophysical properties (such as structural, functional, and spatial information, amino acid conservation, physicochemical variation, residue mobility, and thermodynamic stability) indicates that this missense variant is not expected to disrupt LZTR1 protein function with a negative predictive value of 80%. In summary, the available evidence is currently insufficient to determine the role of this variant in disease. Therefore, it has been classified as a Variant of Uncertain Significance.

NM_006767.4(LZTR1):c.1277A>T (p.Lys426Ile)

Gene: LZTR1 (leucine zipper like post translational regulator 1; plus strand). Cytogenetic location: 22q11.21.
Variant type: single nucleotide variant.
Coding change: c.1277A>T on transcript NM_006767.4 (MANE Select); coding-DNA position 1277, A replaced by T.
Protein change: p.Lys426Ile; replaces lysine 426 with isoleucine.
Molecular consequence: missense variant.
Genome position (GRCh38, 1-based): chr22:20,993,678, A>T. VCF-style: chr22-20993678-A-T. GRCh37 (hg19) VCF-style: chr22-21347967-A-T.
Other names: short protein forms K426I.
Identifiers: ClinVar variation 4798250 (VCV004798250.1).